The following is an entry in ClinVar:

NM_000059.4(BRCA2):c.1275_1276delinsG (p.Asp427fs)

Gene: BRCA2 (BRCA2 DNA repair associated; plus strand). Cytogenetic location: 13q13.1.
Variant type: Indel.
Coding change: c.1275_1276delinsG on transcript NM_000059.4 (MANE Select); coding-DNA positions 1275 to 1276, AA replaced by G.
Protein change: p.Asp427fs; shifts the reading frame from aspartic acid 427.
Molecular consequence: frameshift variant. On other transcripts: non-coding transcript variant (1), intron variant (1).
Genome position (GRCh38, 1-based): chr13:32,332,753-32,332,754, AA replaced by G. VCF-style: chr13-32332753-AA-G. GRCh37 (hg19) VCF-style: chr13-32906890-AA-G.
Other names: c.1275_1276delinsG, p.Asp427fs (NM_001406719.1, NM_001406720.1, NM_001406721.1); c.424+1723_424+1724delinsG (NM_001406722.1); short protein forms D427fs.
Identifiers: ClinVar variation 3254405 (VCV003254405.1), dbSNP rs2548519924.
Genomic context (GRCh38, chr13:32,332,753, plus strand): 5'-AGCCCAGATGGAGAAAATACCCCTATTGCATATTTCTTCATGTGACCAAAATATTTCAGA[AA>G]AAGACCTATTAGACACAGAGAACAAAAGAAAGAAAGATTTTCTTACTTCAGAGAATTCTT-3'

ClinVar aggregate classification (germline): Pathogenic (1 of 4 stars; one submission).

Conditions:
Breast-ovarian cancer, familial, susceptibility to, 2 (BROVCA2). Also called: BRCA2 Hereditary Breast and Ovarian Cancer. Identifiers: Orphanet 145, MedGen C2675520, MONDO:0012933, OMIM 612555. Disease mechanism: loss of function.

Submission:

Myriad Genetics, Inc.
Classification: Pathogenic for Breast-ovarian cancer, familial, susceptibility to, 2. Last evaluated: 2024-06-13. Review status: criteria provided, single submitter. Criteria: Myriad Autosomal Dominant, Autosomal Recessive and X-Linked Classification Criteria (2023). Collection method: clinical testing. Allele origin: unknown.
Comment: This variant is considered pathogenic. This variant creates a frameshift predicted to result in premature protein truncation.